The following is an entry in ClinVar:

NM_001113378.2(FANCI):c.3320del (p.Lys1107fs)

Gene: FANCI (FA complementation group I; plus strand). Cytogenetic location: 15q26.1.
Variant type: Deletion.
Coding change: c.3320del on transcript NM_001113378.2 (MANE Select); coding-DNA position 3320, one base deleted (A; older notation c.3320delA).
Protein change: p.Lys1107fs; shifts the reading frame from lysine 1107.
Molecular consequence: frameshift variant.
Genome position (GRCh38, 1-based): chr15:89,305,669, A deleted; the last of 2 consecutive A bases (chr15:89,305,668-89,305,669); deleting either gives the same sequence. VCF-style (leftmost placement, unchanged base first): chr15-89305667-TA-T. GRCh37 (hg19) VCF-style: chr15-89848898-TA-T.
Other names: c.3320del, p.Lys1107fs (NM_001376911.1); c.3140del, p.Lys1047fs (NM_018193.3); c.3041del, p.Lys1014fs (NM_001376910.1); short protein forms K1014fs, K1047fs, K1107fs.
Identifiers: ClinVar variation 3605762 (VCV003605762.2).
Genomic context (GRCh38, chr15:89,305,667, plus strand): 5'-ACTTGTTCTGAGTCAGGCCGAGAAGGTTCTAGAAGAAGTGGACTGGCTAATCACCAAGCT[TA>T]AGGGACAAGTGAGCCAAGAAACCTTATCAGGTAAGATAAGTTCAACTGGGATTCCAGGAA-3'

ClinVar aggregate classification (germline): Pathogenic (1 of 4 stars; one submission).

Conditions:
Fanconi anemia (FA). Also called: Fanconi's anemia. Identifiers: Orphanet 84, MedGen C0015625, MeSH D005199, MONDO:0019391.

Submission:

Labcorp Genetics (formerly Invitae), Labcorp
Classification: Pathogenic for Fanconi anemia. Last evaluated: 2024-02-02. Review status: criteria provided, single submitter. Criteria: Invitae Variant Classification Sherloc (09022015). Collection method: clinical testing. Allele origin: germline.
Comment: This sequence change creates a premature translational stop signal (p.Lys1107Argfs*4) in the FANCI gene. It is expected to result in an absent or disrupted protein product. Loss-of-function variants in FANCI are known to be pathogenic (PMID: 17452773, 17460694). This variant is not present in population databases (gnomAD no frequency). This variant has not been reported in the literature in individuals affected with FANCI-related conditions. For these reasons, this variant has been classified as Pathogenic.

Literature cited by the submitters: PubMed 17452773; PubMed 17460694.